The following is an entry in ClinVar:

ClinVar aggregate classification (germline): Pathogenic. Review status: no assertion criteria provided (0 of 4 stars). 2 submissions from 2 submitters: Pathogenic (1). 1 of the submissions does not count toward it. Last evaluated 2016-08-09.

Conditions:
Parkinson disease 19B, early-onset. Identifiers: MedGen C4310802, MONDO:0800369.
Juvenile onset Parkinson disease 19A. Also called: DNAJC6 Parkinson Disease; PARK19. Identifiers: Orphanet 391411, MedGen C3809811, MONDO:0014231, OMIM 615528.

Submissions (2):

OMIM
Classification: Pathogenic for PARKINSON DISEASE 19B, EARLY-ONSET. Last evaluated: 2016-08-09. Review status: no assertion criteria provided. Collection method: literature only. Allele origin: germline.

GeneReviews
No classification provided. Condition: Juvenile onset Parkinson disease 19A. Review status: no classification provided. Collection method: literature only. Allele origin: germline. Not counted in ClinVar's aggregate classification.
Comment: Early-onset parkinsonism

Literature cited by the submitters: PubMed 26528954 (cited by OMIM and GeneReviews); PubMed 33983693 (cited by GeneReviews).

NM_001256864.2(DNAJC6):c.2779A>G (p.Arg927Gly)

Gene: DNAJC6 (DnaJ heat shock protein family (Hsp40) member C6; plus strand). Cytogenetic location: 1p31.3.
Variant type: single nucleotide variant.
Coding change: c.2779A>G on transcript NM_001256864.2 (MANE Select); coding-DNA position 2779, A replaced by G.
Protein change: p.Arg927Gly; replaces arginine 927 with glycine.
Molecular consequence: missense variant.
Genome position (GRCh38, 1-based): chr1:65,411,394, A>G. VCF-style: chr1-65411394-A-G. GRCh37 (hg19) VCF-style: chr1-65877077-A-G.
Other names: c.2569A>G, p.Arg857Gly (NM_001256865.2); c.2608A>G, p.Arg870Gly (NM_014787.4); short protein forms R927G, R857G, R870G.
Identifiers: ClinVar variation 253094 (VCV000253094.3), dbSNP rs879255630, ClinGen allele CA10586194.